The following is an entry in ClinVar:

NM_001142800.2(EYS):c.3072T>A (p.Asn1024Lys)

Gene: EYS (EGF-like photoreceptor maintenance factor; minus strand). Cytogenetic location: 6q12.
Variant type: single nucleotide variant.
Coding change: c.3072T>A on transcript NM_001142800.2 (MANE Select); coding-DNA position 3072, T replaced by A.
Protein change: p.Asn1024Lys; replaces asparagine 1024 with lysine.
Molecular consequence: missense variant.
Genome position (GRCh38, 1-based): chr6:64,822,743, A>T on the plus strand (T>A on the coding strand, the complement: EYS is on the minus strand). VCF-style: chr6-64822743-A-T. GRCh37 (hg19) VCF-style: chr6-65532636-A-T.
Other names: c.3072T>A, p.Asn1024Lys (NM_001292009.2); short protein forms N1024K.
Identifiers: ClinVar variation 1059881 (VCV001059881.10), dbSNP rs2150022753, ClinGen allele CA364787810.

ClinVar aggregate classification (germline): Uncertain significance. Review status: criteria provided, single submitter (1 of 4 stars). 2 submissions from 2 submitters: Uncertain significance (1). 1 of the submissions does not count toward it. Last evaluated 2021-01-22.

Conditions:
Retinitis pigmentosa 25 (RP25). Identifiers: Orphanet 791, MedGen C1864446, MONDO:0011272, OMIM 602772.

Submissions (2):

Labcorp Genetics (formerly Invitae), Labcorp
Classification: Uncertain significance. Last evaluated: 2021-01-22. Review status: criteria provided, single submitter. Criteria: Invitae Variant Classification Sherloc (09022015). Collection method: clinical testing. Allele origin: germline.
Comment: This sequence change replaces asparagine with lysine at codon 1024 of the EYS protein (p.Asn1024Lys). The asparagine residue is moderately conserved and there is a moderate physicochemical difference between asparagine and lysine. This variant is not present in population databases (ExAC no frequency). This variant has not been reported in the literature in individuals with EYS-related conditions. Algorithms developed to predict the effect of missense changes on protein structure and function are either unavailable or do not agree on the potential impact of this missense change (SIFT: "Tolerated"; PolyPhen-2: "Probably Damaging"; Align-GVGD: "Class C15"). In summary, the available evidence is currently insufficient to determine the role of this variant in disease. Therefore, it has been classified as a Variant of Uncertain Significance.

Natera, Inc.
Classification: Uncertain significance for Retinitis pigmentosa type 25. Last evaluated: 2020-11-04. Review status: no assertion criteria provided. Collection method: clinical testing. Allele origin: germline. Not counted in ClinVar's aggregate classification.